The following is an entry in ClinVar:

ClinVar aggregate classification (germline): Likely benign. Review status: criteria provided, multiple submitters, no conflicts (2 of 4 stars). 2 submissions from 2 submitters: Likely benign (2). Last evaluated 2024-04-10.

Allele frequency attached by ClinVar (database versions not stated): ExAC 0.00025; gnomAD 0.00031; gnomAD exomes 0.00039; 1000 Genomes Project 0.00040.

Submissions (2):

Blueprint Genetics
Classification: Likely benign. Last evaluated: 2024-04-10. Review status: criteria provided, single submitter. Criteria: ACMG Guidelines, 2015. Collection method: clinical testing. Allele origin: germline.

CeGaT Center for Human Genetics Tuebingen
Classification: Likely benign. Last evaluated: 2023-10-01. Review status: criteria provided, single submitter. Criteria: CeGaT Center For Human Genetics Tuebingen Variant Classification Criteria Version 2. Collection method: clinical testing. Allele origin: germline. Affected: yes. Observed: 3 variant alleles.
Comment: POLR2A: BP4, BP7

NM_000937.5(POLR2A):c.4974A>G (p.Ser1658=)

Gene: POLR2A (RNA polymerase II subunit A; plus strand). Cytogenetic location: 17p13.1.
Variant type: single nucleotide variant.
Coding change: c.4974A>G on transcript NM_000937.5 (MANE Select); coding-DNA position 4974, A replaced by G.
Protein change: p.Ser1658=; no amino-acid change (serine 1658 retained).
Molecular consequence: synonymous variant.
Genome position (GRCh38, 1-based): chr17:7,513,238, A>G. VCF-style: chr17-7513238-A-G. GRCh37 (hg19) VCF-style: chr17-7416557-A-G.
Identifiers: ClinVar variation 2647358 (VCV002647358.25), dbSNP rs530512828, ClinGen allele CA8350462.